The following is an entry in ClinVar:

NM_003239.5(TGFB3):c.*496G>A

Gene: TGFB3 (transforming growth factor beta 3; minus strand). Cytogenetic location: 14q24.3.
Variant type: single nucleotide variant.
Coding change: c.*496G>A on transcript NM_003239.5 (MANE Select); 496 bases downstream of the stop codon, G replaced by A.
Molecular consequence: 3 prime UTR variant.
Genome position (GRCh38, 1-based): chr14:75,958,691, C>T on the plus strand (G>A on the coding strand, the complement: TGFB3 is on the minus strand). VCF-style: chr14-75958691-C-T. GRCh37 (hg19) VCF-style: chr14-76425034-C-T.
Other names: c.*496G>A (NM_001329939.2).
Identifiers: ClinVar variation 314442 (VCV000314442.9), dbSNP rs3917217, ClinGen allele CA10635363.

ClinVar aggregate classification (germline): Likely benign. Review status: criteria provided, multiple submitters, no conflicts (2 of 4 stars). 2 submissions from 2 submitters: Likely benign (2). Last evaluated 2025-01-08.

Allele frequency attached by ClinVar (database versions not stated): gnomAD 0.00058 and 0.00096; TOPMed 0.00109; gnomAD exomes 0.00114; 1000 Genomes Project 30x 0.00531; 1000 Genomes Project 0.00639.
gnomAD v4.1: 208 of 210,840 alleles (0.099%); highest among the groups gnomAD compares: East Asian, 2.1%; 2 homozygotes.

Submissions (2):

GeneDx
Classification: Likely benign. Last evaluated: 2025-01-08. Review status: criteria provided, single submitter. Criteria: GeneDx Variant Classification Process June 2021. Collection method: clinical testing. Allele origin: germline. Affected: yes.
Comment: See Variant Classification Assertion Criteria.

Blueprint Genetics
Classification: Likely benign. Last evaluated: 2024-10-23. Review status: criteria provided, single submitter. Criteria: ACMG Guidelines, 2015. Collection method: clinical testing. Allele origin: germline.